The following is an entry in ClinVar:

ClinVar aggregate classification (germline): Uncertain significance (1 of 4 stars; one submission).

Conditions:
Ataxia-telangiectasia syndrome (AT). Also called: Ataxia-telangiectasia, complementation group D; AT, COMPLEMENTATION GROUP C; Ataxia-telangiectasia; Ataxia telangiectasia (A-T); LOUIS-BAR SYNDROME; Cerebello-oculocutaneous telangiectasia. Identifiers: Orphanet 100, MedGen C0004135, MONDO:0008840, OMIM 208900.

Submission:

Labcorp Genetics (formerly Invitae), Labcorp
Classification: Uncertain significance for Ataxia-telangiectasia syndrome. Last evaluated: 2025-12-03. Review status: criteria provided, single submitter. Criteria: Invitae Variant Classification Sherloc (09022015). Collection method: clinical testing. Allele origin: germline.
Comment: This sequence change replaces proline, which is neutral and non-polar, with histidine, which is basic and polar, at codon 1680 of the ATM protein (p.Pro1680His). This variant is not present in population databases (gnomAD no frequency). This variant has not been reported in the literature in individuals affected with ATM-related conditions. Invitae Evidence Modeling of protein sequence and biophysical properties (such as structural, functional, and spatial information, amino acid conservation, physicochemical variation, residue mobility, and thermodynamic stability) has been performed for this missense variant. However, the output from this modeling did not meet the statistical confidence thresholds required to predict the impact of this variant on ATM protein function. Algorithms developed to predict the effect of sequence changes on RNA splicing suggest that this variant may create or strengthen a splice site. In summary, the available evidence is currently insufficient to determine the role of this variant in disease. Therefore, it has been classified as a Variant of Uncertain Significance.

NM_000051.4(ATM):c.5039C>A (p.Pro1680His)

Gene: ATM (ATM serine/threonine kinase; plus strand). Cytogenetic location: 11q22.3.
Variant type: single nucleotide variant.
Coding change: c.5039C>A on transcript NM_000051.4 (MANE Select); coding-DNA position 5039, C replaced by A.
Protein change: p.Pro1680His; replaces proline 1680 with histidine.
Molecular consequence: missense variant.
Genome position (GRCh38, 1-based): chr11:108,299,747, C>A. VCF-style: chr11-108299747-C-A. GRCh37 (hg19) VCF-style: chr11-108170474-C-A.
Other names: c.5039C>A, p.Pro1680His (NM_001351834.2); short protein forms P1680H.
Identifiers: ClinVar variation 4747226 (VCV004747226.1).